The following is an entry in ClinVar:

NM_170675.5(MEIS2):c.992GAA[2] (p.Arg333del)

Gene: MEIS2 (Meis homeobox 2; minus strand). Cytogenetic location: 15q14.
Variant type: Microsatellite.
Coding change: c.992GAA[2] on transcript NM_170675.5 (MANE Select); two copies in a row of the 3-base unit GAA starting at c.992; the reference has three copies in a row; one copy, 3 bases deleted; also written c.998_1000del.
Protein change: p.Arg333del; deletes arginine 333.
Molecular consequence: inframe deletion. On other transcripts: non-coding transcript variant (1).
Genome position (GRCh38, 1-based): chr15:36,896,664-36,896,666, TTC deleted on the plus strand (GAA on the coding strand, the reverse complement: MEIS2 is on the minus strand); deleting any 3 consecutive bases within chr15:36,896,664-36,896,673 gives the same sequence; the position shown is the placement nearest the transcript's 3' end. VCF-style (leftmost placement, unchanged base first): chr15-36896663-ATTC-A. GRCh37 (hg19) VCF-style: chr15-37188864-ATTC-A.
Other names: c.998_1000delGAA (NM_170674.4); c.998_1000del (NM_170675.5); c.992GAA[2], p.Arg333del (NM_001220482.2, NM_170674.5, NM_170676.5 and 1 more transcripts); c.953GAA[2], p.Arg320del (NM_002399.4, NM_172315.3); c.728GAA[2], p.Arg245del (NM_172316.3); short protein forms R320del, R333del, R245del.
Identifiers: ClinVar variation 224962 (VCV000224962.14), dbSNP rs879255264, ClinGen allele CA10576003.
Genomic context (GRCh38, chr15:36,896,663, plus strand): 5'-AATATAGATACTACTTGGAACTTGCCTGCTCGATTTGACTGGTCAATCATGGGCTGTACT[ATTC>A]TTCTTCTGGCATTAATAAACCTGAAAGAGAACAGAGAAGTCCAGTCATCATACTCCGTTT-3'

ClinVar aggregate classification (germline): Pathogenic/Likely pathogenic. Review status: criteria provided, multiple submitters, no conflicts (2 of 4 stars). 7 submissions from 7 submitters: Pathogenic (3); Likely pathogenic (3). 1 of the submissions does not count toward it. Last evaluated 2025-02-24.

Conditions:
Inborn genetic diseases. Identifiers: MedGen C0950123, MeSH D030342.
MEIS2-related disorder.
Cardiac malformation, cleft lip/palate, microcephaly, and digital anomalies. Also called: CLEFT PALATE, CARDIAC DEFECTS, AND IMPAIRED INTELLECTUAL DEVELOPMENT. Identifiers: MedGen C1832950, MONDO:0010970, OMIM 600987.
Cleft palate. Identifiers: Orphanet 2014, MedGen C2981150, MONDO:0016064, HP:0000175.

Submissions (7):

3billion
Classification: Pathogenic for Cardiac malformation, cleft lip/palate, microcephaly, and digital anomalies. Last evaluated: 2025-02-24. Review status: criteria provided, single submitter. Criteria: ACMG Guidelines, 2015. Collection method: clinical testing. Allele origin: germline. Affected: yes.
Comment: The variant is not observed in the gnomAD v4.1.0 dataset. Predicted Consequence/Location: The variant is located in a mutational hot spot and/or well-established functional domain in which established pathogenic variants have been reported. Inframe deletion located in a nonrepeat region: predicted to change the length of the protein and disrupt normal protein function. The variant has been reported at least twice as pathogenic with clinical assertions and evidence for the classification (ClinVar ID: VCV000224962 /PMID: 25712757). Therefore, this variant is classified as Pathogenic according to the recommendation of ACMG/AMP guideline.

Dubai Health Genomic Medicine Center, Dubai Health
Classification: Pathogenic for Cleft palate. Last evaluated: 2024-10-04. Review status: criteria provided, single submitter. Criteria: ACMG Guidelines, 2015. Collection method: research. Allele origin: germline. Affected: yes.
Comment: PS4,PM6,PM2,PM5,PP4,PM1

GeneDx
Classification: Pathogenic. Last evaluated: 2023-04-21. Review status: criteria provided, single submitter. Criteria: GeneDx Variant Classification Process June 2021. Collection method: clinical testing. Allele origin: germline. Affected: yes.
Comment: Not observed at significant frequency in large population cohorts (gnomAD); In-frame deletion of 1 amino acid in a non-repeat region; In silico analysis supports a deleterious effect on protein structure/function; This variant is associated with the following publications: (PMID: 25712757, 30055086, 33091211, 34217350)

Laboratory of Medical Genetics, University of Torino
Classification: Likely pathogenic for Cardiac malformation, cleft lip/palate, microcephaly, and digital anomalies. Last evaluated: 2022-11-29. Review status: criteria provided, single submitter. Criteria: ACMG Guidelines, 2015. Collection method: research. Allele origin: germline. Affected: yes. Study: NeuroWES.

Institute of Medical Genetics and Applied Genomics, University Hospital Tübingen
Classification: Likely pathogenic. Last evaluated: 2020-10-23. Review status: criteria provided, single submitter. Criteria: ACMG Guidelines, 2015. Collection method: clinical testing. Allele origin: germline. Inheritance: Unknown mechanism. Affected: yes.

Ambry Genetics
Classification: Likely pathogenic for Inborn genetic diseases. Last evaluated: 2018-04-09. Review status: criteria provided, single submitter. Criteria: Ambry exome assertion method (8-5-2015). Collection method: clinical testing. Allele origin: germline. Affected: yes. Observed: 1 variant allele.

OMIM
Classification: Pathogenic for CLEFT PALATE, CARDIAC DEFECTS, AND IMPAIRED INTELLECTUAL DEVELOPMENT. Last evaluated: 2022-12-19. Review status: no assertion criteria provided. Collection method: literature only. Allele origin: germline. Not counted in ClinVar's aggregate classification.

Literature cited by the submitters: PubMed 25712757 (cited by 3 submitters).